The following is an entry in ClinVar:

ClinVar aggregate classification (germline): Uncertain significance. Review status: criteria provided, multiple submitters, no conflicts (2 of 4 stars). 2 submissions from 2 submitters: Uncertain significance (2). Last evaluated 2025-11-02.

Conditions:
Hereditary cancer-predisposing syndrome. Also called: Tumor predisposition; Neoplastic Syndromes, Hereditary; Hereditary neoplastic syndrome; Hereditary Cancer Syndrome. Identifiers: Orphanet 140162, MedGen C0027672, MeSH D009386, MONDO:0015356.
Familial cancer of breast. Also called: Hereditary breast cancer; hereditary breast carcinoma; BREAST CANCER, FAMILIAL. Identifiers: Orphanet 227535, MedGen C0346153, MONDO:0016419, OMIM 114480. Disease mechanism: loss of function.

Submissions (2):

Ambry Genetics
Classification: Uncertain significance for Hereditary cancer-predisposing syndrome. Last evaluated: 2025-11-02. Review status: criteria provided, single submitter. Criteria: Ambry Variant Classification Scheme 2023. Collection method: clinical testing. Allele origin: germline.
Comment: The p.A212V variant (also known as c.635C>T), located in coding exon 4 of the BARD1 gene, results from a C to T substitution at nucleotide position 635. The alanine at codon 212 is replaced by valine, an amino acid with similar properties. This amino acid position is conserved. In addition, this alteration is predicted to be tolerated by in silico analysis. Since supporting evidence is limited at this time, the clinical significance of this alteration remains unclear.

Labcorp Genetics (formerly Invitae), Labcorp
Classification: Uncertain significance for Familial cancer of breast. Last evaluated: 2021-03-17. Review status: criteria provided, single submitter. Criteria: Invitae Variant Classification Sherloc (09022015). Collection method: clinical testing. Allele origin: germline.
Comment: In summary, the available evidence is currently insufficient to determine the role of this variant in disease. Therefore, it has been classified as a Variant of Uncertain Significance. Algorithms developed to predict the effect of missense changes on protein structure and function (SIFT, PolyPhen-2, Align-GVGD) all suggest that this variant is likely to be tolerated, but these predictions have not been confirmed by published functional studies and their clinical significance is uncertain. This variant has not been reported in the literature in individuals with BARD1-related conditions. This variant is not present in population databases (ExAC no frequency). This sequence change replaces alanine with valine at codon 212 of the BARD1 protein (p.Ala212Val). The alanine residue is moderately conserved and there is a small physicochemical difference between alanine and valine.

NM_000465.4(BARD1):c.635C>T (p.Ala212Val)

Gene: BARD1 (BRCA1 associated RING domain 1; minus strand). Cytogenetic location: 2q35.
Variant type: single nucleotide variant.
Coding change: c.635C>T on transcript NM_000465.4 (MANE Select); coding-DNA position 635, C replaced by T.
Protein change: p.Ala212Val; replaces alanine 212 with valine.
Molecular consequence: missense variant. On other transcripts: non-coding transcript variant (2), intron variant (3).
Genome position (GRCh38, 1-based): chr2:214,781,239, G>A on the plus strand (C>T on the coding strand, the complement: BARD1 is on the minus strand). VCF-style: chr2-214781239-G-A. GRCh37 (hg19) VCF-style: chr2-215645963-G-A.
Other names: c.578C>T, p.Ala193Val (NM_001282543.2); c.158+28173C>T (NM_001282548.2); c.215+15822C>T (NM_001282545.2); c.364+11058C>T (NM_001282549.2); short protein forms A212V, A193V.
Identifiers: ClinVar variation 1517140 (VCV001517140.12), dbSNP rs1400642945, ClinGen allele CA350456631.